The following is an entry in ClinVar:

ClinVar aggregate classification (germline): Uncertain significance (1 of 4 stars; one submission).

Allele frequency attached by ClinVar (database versions not stated): gnomAD 0.00001; TOPMed 0.00001; gnomAD exomes 0.00002; ExAC 0.00003.
gnomAD v4.1: 14 of 1,610,500 alleles (0.00087%); highest among the groups gnomAD compares: East Asian, 0.0022%; no homozygotes.

Submission:

Labcorp Genetics (formerly Invitae), Labcorp
Classification: Uncertain significance. Last evaluated: 2022-06-27. Review status: criteria provided, single submitter. Criteria: Invitae Variant Classification Sherloc (09022015). Collection method: clinical testing. Allele origin: germline.
Comment: This sequence change replaces alanine, which is neutral and non-polar, with threonine, which is neutral and polar, at codon 201 of the COL18A1 protein (p.Ala201Thr). The frequency data for this variant in the population databases is considered unreliable, as metrics indicate poor data quality at this position in the gnomAD database. This variant has not been reported in the literature in individuals affected with COL18A1-related conditions. Experimental studies and prediction algorithms are not available or were not evaluated, and the functional significance of this variant is currently unknown. In summary, the available evidence is currently insufficient to determine the role of this variant in disease. Therefore, it has been classified as a Variant of Uncertain Significance.

NM_001379500.1(COL18A1):c.601G>A (p.Ala201Thr)

Gene: COL18A1 (collagen type XVIII alpha 1 chain; plus strand). Cytogenetic location: 21q22.3.
Variant type: single nucleotide variant.
Coding change: c.601G>A on transcript NM_001379500.1 (MANE Select); coding-DNA position 601, G replaced by A.
Protein change: p.Ala201Thr; replaces alanine 201 with threonine.
Molecular consequence: missense variant.
Genome position (GRCh38, 1-based): chr21:45,468,736, G>A. VCF-style: chr21-45468736-G-A. GRCh37 (hg19) VCF-style: chr21-46888650-G-A.
Other names: c.1141G>A, p.Ala381Thr (NM_030582.4); c.1846G>A, p.Ala616Thr (NM_130444.3); short protein forms A201T, A381T, A616T.
Identifiers: ClinVar variation 1370651 (VCV001370651.3), dbSNP rs767149984, ClinGen allele CA10065792.